The following is an entry in ClinVar:

NM_175914.5(HNF4A):c.50-4791_50-4788del

Gene: HNF4A (hepatocyte nuclear factor 4 alpha; plus strand). Cytogenetic location: 20q13.12.
Variant type: Microsatellite.
Coding change: c.50-4791_50-4788del on transcript NM_175914.5 (MANE Select); 4791 bases into the intron before coding-DNA position 50 through 4788 bases into the intron before coding-DNA position 50, 4 bases deleted (AAGG; older notation c.50-4791_50-4788delAAGG).
Molecular consequence: intron variant. On other transcripts: 5 prime UTR variant (4).
Genome position (GRCh38, 1-based): chr20:44,401,267-44,401,270, AAGG deleted; deleting any 4 consecutive bases within chr20:44,401,263-44,401,270 gives the same sequence; the c. name uses the placement nearest the transcript's 3' end. VCF-style (leftmost placement, unchanged base first): chr20-44401262-AAAGG-A. GRCh37 (hg19) VCF-style: chr20-43029902-AAAGG-A.
Other names: c.-110AAGG[1] (NM_000457.6, NM_178849.3, NM_178850.3); c.-222AAGG[1] (NM_001258355.2); c.41-4791_41-4788del (NM_001287182.2, NM_001287183.2, NM_001287184.2); c.50-4791_50-4788del (NM_001030003.3, NM_001030004.3).
Identifiers: ClinVar variation 338422 (VCV000338422.6), dbSNP rs886056679, ClinGen allele CA10643872.
Genomic context (GRCh38, chr20:44,401,262, plus strand): 5'-TCCACCCCTTCACAGAGGCTAGGCCAAGACTCCCAGCAGATCTTCCCAGAGGACGGTTTG[AAAGG>A]AAGGCAGAGAGGGCACTGGGAGGAGGCAGTGGGAGGGCGGAGGGCGGGGGCCTTCGGGGT-3'

ClinVar aggregate classification (germline): Uncertain significance. Review status: reviewed by expert panel (3 of 4 stars). 2 submissions from 2 submitters: Uncertain significance (1). 1 of the submissions does not count toward it. Last evaluated 2025-01-29.

Conditions:
Monogenic diabetes. Identifiers: Orphanet 183625, MedGen C3888631, MONDO:0015967.
Maturity-onset diabetes of the young (MODY). Also called: Maturity onset diabetes mellitus in young. Identifiers: Orphanet 552, MedGen C0342276, MONDO:0018911, HP:0004904.

Submissions (2):

ClinGen Monogenic Diabetes Variant Curation Expert Panel
Classification: Uncertain significance for Monogenic diabetes. Last evaluated: 2025-01-29. Review status: reviewed by expert panel. Criteria: ClinGen Diabetes ACMG Specifications HNF4A V2.0.0. Collection method: curation. Allele origin: germline. Inheritance: Autosomal dominant inheritance.
Comment: The c.50-4791_50-4788del variant in the hepatocyte nuclear factor 4-alpha gene, HNF4A, is a 4-nucleotide-deletion within intron 1 of NM_175914.5. The computational splicing predictor SpliceAI gives a score of 0.00 for donor and acceptor loss, suggesting that the variant has no impact on splicing (BP4). This variant is absent from gnomAD v2.1.1 (PM2_Supporting). In summary, c.50-4791_50-4788del meets the criteria to be classified as VUS for monogenic diabetes. ACMG/AMP criteria applied, as specified by the ClinGen MDEP (specification version 2.0.0, approved 10/11/2023): BP4, PM2_Supporting.

Clinical Genomics, Uppaluri K&H Personalized Medicine Clinic
Classification: Benign for Maturity-onset diabetes of the young. Review status: criteria provided, single submitter. Criteria: K & H Uppaluri Personalized Medicine Clinic Variant Classification & Assertion Criteria_Updated V.1. Collection method: research. Allele origin: unknown. Inheritance: Autosomal dominant inheritance. Not counted in ClinVar's aggregate classification.
Comment: Potent mutations in HNF4A are associated with poor insulin secretion in response to hyperglycemia. Associated with MODY1. Patients initially respond well to sulfonylureas but eventually become insulin dependent. However, more evidence is required to ascertain the role of this particular variant rs886056679 in MODY, yet.

Literature cited by the submitters: DOI 10.1159/000334532 (cited by Clinical Genomics, Uppaluri K&H Personalized Medicine Clinic); PubMed 18268044 (cited by Clinical Genomics, Uppaluri K&H Personalized Medicine Clinic); PubMed 17563455 (cited by Clinical Genomics, Uppaluri K&H Personalized Medicine Clinic); PubMed 32583173 (cited by Clinical Genomics, Uppaluri K&H Personalized Medicine Clinic); PubMed 35052457 (cited by Clinical Genomics, Uppaluri K&H Personalized Medicine Clinic); PubMed 35118593 (cited by Clinical Genomics, Uppaluri K&H Personalized Medicine Clinic).